The following is an entry in ClinVar:

NM_133497.4(KCNV2):c.700C>T (p.Arg234Cys)

Gene: KCNV2 (potassium voltage-gated channel modifier subfamily V member 2; plus strand). Cytogenetic location: 9p24.2.
Variant type: single nucleotide variant.
Coding change: c.700C>T on transcript NM_133497.4 (MANE Select); coding-DNA position 700, C replaced by T.
Protein change: p.Arg234Cys; replaces arginine 234 with cysteine.
Molecular consequence: missense variant.
Genome position (GRCh38, 1-based): chr9:2,718,439, C>T. VCF-style: chr9-2718439-C-T. GRCh37 (hg19) VCF-style: chr9-2718439-C-T.
Other names: c.700C>T (NM_133497.3); short protein forms R234C.
Identifiers: ClinVar variation 1960956 (VCV001960956.7), dbSNP rs769985957, ClinGen allele CA4965584.

ClinVar aggregate classification (germline): Uncertain significance. Review status: criteria provided, multiple submitters, no conflicts (2 of 4 stars). 3 submissions from 3 submitters: Uncertain significance (3). Last evaluated 2025-01-18.

Conditions:
Inborn genetic diseases. Identifiers: MedGen C0950123, MeSH D030342.

Allele frequency attached by ClinVar (database versions not stated): ExAC 0.00003.
gnomAD v4.1: 11 of 1,606,470 alleles (0.00068%); highest among the groups gnomAD compares: African/African-American, 0.004%; no homozygotes.

Submissions (3):

Ambry Genetics
Classification: Uncertain significance for Inborn genetic diseases. Last evaluated: 2025-01-18. Review status: criteria provided, single submitter. Criteria: Ambry Variant Classification Scheme 2023. Collection method: clinical testing. Allele origin: germline.

Labcorp Genetics (formerly Invitae), Labcorp
Classification: Uncertain significance. Last evaluated: 2022-05-20. Review status: criteria provided, single submitter. Criteria: Invitae Variant Classification Sherloc (09022015). Collection method: clinical testing. Allele origin: germline.
Comment: Advanced modeling of protein sequence and biophysical properties (such as structural, functional, and spatial information, amino acid conservation, physicochemical variation, residue mobility, and thermodynamic stability) performed at Invitae indicates that this missense variant is not expected to disrupt KCNV2 protein function. This sequence change replaces arginine, which is basic and polar, with cysteine, which is neutral and slightly polar, at codon 234 of the KCNV2 protein (p.Arg234Cys). The frequency data for this variant in the population databases is considered unreliable, as metrics indicate poor data quality at this position in the gnomAD database. This variant has not been reported in the literature in individuals affected with KCNV2-related conditions. In summary, the available evidence is currently insufficient to determine the role of this variant in disease. Therefore, it has been classified as a Variant of Uncertain Significance.

Blueprint Genetics
Classification: Uncertain significance. Last evaluated: 2019-09-03. Review status: criteria provided, single submitter. Criteria: ACMG Guidelines, 2015. Collection method: clinical testing. Allele origin: germline.